The following is an entry in ClinVar:

NM_001433705.1(NLRP5):c.3066G>A (p.Thr1022=)

Gene: NLRP5 (NLR family pyrin domain containing 5; plus strand). Cytogenetic location: 19q13.43.
Variant type: single nucleotide variant.
Coding change: c.3066G>A on transcript NM_001433705.1 (MANE Select); coding-DNA position 3066, G replaced by A.
Protein change: p.Thr1022=; no amino-acid change (threonine 1022 retained).
Molecular consequence: synonymous variant.
Genome position (GRCh38, 1-based): chr19:56,053,728, G>A. VCF-style: chr19-56053728-G-A. GRCh37 (hg19) VCF-style: chr19-56565094-G-A.
Other names: NM_153447.4:c.3219G>A.
Identifiers: ClinVar variation 103290 (VCV000103290.2), dbSNP rs199475785, ClinGen allele CA230374.

ClinVar aggregate classification (germline): not provided (0 of 4 stars; one submission).

Allele frequency attached by ClinVar (database versions not stated): gnomAD exomes below 0.00001 and 0.00001; TOPMed 0.00001; gnomAD 0.00001 and 0.00002; ExAC 0.00002.
gnomAD v4.1: 15 of 1,613,920 alleles (0.00093%); highest among the groups gnomAD compares: East Asian, 0.0045%; no homozygotes.

Submission:

Human Evolutionary Genetics, Institut Pasteur
No classification provided. Review status: no classification provided. Collection method: not provided. Allele origin: germline.
ClinVar note: Converted during submission from untested to not provided.